The following is an entry in ClinVar:

ClinVar aggregate classification (germline): Uncertain significance (1 of 4 stars; one submission).

Conditions:
RASopathy. Also called: Noonan spectrum disorder; rasopathies. Identifiers: Orphanet 536391, MedGen C5555857, MONDO:0021060.

Submission:

Labcorp Genetics (formerly Invitae), Labcorp
Classification: Uncertain significance for RASopathy. Last evaluated: 2025-03-05. Review status: criteria provided, single submitter. Criteria: Invitae Variant Classification Sherloc (09022015). Collection method: clinical testing. Allele origin: germline.
Comment: This sequence change replaces aspartic acid, which is acidic and polar, with glycine, which is neutral and non-polar, at codon 65 of the MAP2K1 protein (p.Asp65Gly). This variant is not present in population databases (gnomAD no frequency). This variant has not been reported in the literature in individuals affected with MAP2K1-related conditions. Invitae Evidence Modeling of protein sequence and biophysical properties (such as structural, functional, and spatial information, amino acid conservation, physicochemical variation, residue mobility, and thermodynamic stability) indicates that this missense variant is not expected to disrupt MAP2K1 protein function with a negative predictive value of 95%. In summary, the available evidence is currently insufficient to determine the role of this variant in disease. Therefore, it has been classified as a Variant of Uncertain Significance.

NM_002755.4(MAP2K1):c.194A>G (p.Asp65Gly)

Gene: MAP2K1 (mitogen-activated protein kinase kinase 1; plus strand). Cytogenetic location: 15q22.31.
Variant type: single nucleotide variant.
Coding change: c.194A>G on transcript NM_002755.4 (MANE Select); coding-DNA position 194, A replaced by G.
Protein change: p.Asp65Gly; replaces aspartic acid 65 with glycine.
Molecular consequence: missense variant.
Genome position (GRCh38, 1-based): chr15:66,435,140, A>G. VCF-style: chr15-66435140-A-G. GRCh37 (hg19) VCF-style: chr15-66727478-A-G.
Other names: c.128A>G, p.Asp43Gly (NM_001411065.1); short protein forms D43G, D65G.
Identifiers: ClinVar variation 4710016 (VCV004710016.1).